The following is an entry in ClinVar:

ClinVar aggregate classification (germline): Uncertain significance (1 of 4 stars; one submission).

Conditions:
Early-onset Parkinson disease 20. Also called: PARKINSON DISEASE 20, AUTOSOMAL RECESSIVE EARLY-ONSET. Identifiers: Orphanet 391411, MedGen C3809824, MONDO:0014233, OMIM 615530.
Developmental and epileptic encephalopathy, 53. Also called: Epileptic encephalopathy, early infantile, 53. Identifiers: MedGen C4479313, MONDO:0033362, OMIM 617389.

Allele frequency attached by ClinVar (database versions not stated): gnomAD exomes 0.00001 and 0.00002.
gnomAD v4.1: 27 of 1,613,498 alleles (0.0017%); highest among the groups gnomAD compares: Non-Finnish European, 0.0022%; no homozygotes.

Submission:

Labcorp Genetics (formerly Invitae), Labcorp
Classification: Uncertain significance for Developmental and epileptic encephalopathy, 53; Early-onset Parkinson disease 20. Last evaluated: 2025-08-04. Review status: criteria provided, single submitter. Criteria: Invitae Variant Classification Sherloc (09022015). Collection method: clinical testing. Allele origin: germline.
Comment: This sequence change replaces phenylalanine, which is neutral and non-polar, with tyrosine, which is neutral and polar, at codon 506 of the SYNJ1 protein (p.Phe506Tyr). This variant is present in population databases (no rsID available, gnomAD 0.002%). This variant has not been reported in the literature in individuals affected with SYNJ1-related conditions. ClinVar contains an entry for this variant (Variation ID: 1015083). Invitae Evidence Modeling of protein sequence and biophysical properties (such as structural, functional, and spatial information, amino acid conservation, physicochemical variation, residue mobility, and thermodynamic stability) indicates that this missense variant is expected to disrupt SYNJ1 protein function with a positive predictive value of 80%. In summary, the available evidence is currently insufficient to determine the role of this variant in disease. Therefore, it has been classified as a Variant of Uncertain Significance.

NM_203446.3(SYNJ1):c.1400T>A (p.Phe467Tyr)

Gene: SYNJ1 (synaptojanin 1; minus strand). Cytogenetic location: 21q22.11.
Variant type: single nucleotide variant.
Coding change: c.1400T>A on transcript NM_203446.3 (MANE Select); coding-DNA position 1400, T replaced by A.
Protein change: p.Phe467Tyr; replaces phenylalanine 467 with tyrosine.
Molecular consequence: missense variant.
Genome position (GRCh38, 1-based): chr21:32,678,755, A>T on the plus strand (T>A on the coding strand, the complement: SYNJ1 is on the minus strand). VCF-style: chr21-32678755-A-T. GRCh37 (hg19) VCF-style: chr21-34051065-A-T.
Other names: c.1400T>A, p.Phe467Tyr (NM_001160302.2); c.1409T>A, p.Phe470Tyr (NM_001160306.2); c.1517T>A, p.Phe506Tyr (NM_003895.4); short protein forms F467Y, F470Y, F506Y.
Identifiers: ClinVar variation 1015083 (VCV001015083.9), dbSNP rs922232672, ClinGen allele CA319442570.